The following is an entry in ClinVar:

NM_014915.3(ANKRD26):c.951A>C (p.Glu317Asp)

Gene: ANKRD26 (ankyrin repeat domain 26; minus strand). Cytogenetic location: 10p12.1.
Variant type: single nucleotide variant.
Coding change: c.951A>C on transcript NM_014915.3 (MANE Select); coding-DNA position 951, A replaced by C.
Protein change: p.Glu317Asp; replaces glutamic acid 317 with aspartic acid.
Molecular consequence: missense variant.
Genome position (GRCh38, 1-based): chr10:27,077,464, T>G on the plus strand (A>C on the coding strand, the complement: ANKRD26 is on the minus strand). VCF-style: chr10-27077464-T-G. GRCh37 (hg19) VCF-style: chr10-27366393-T-G.
Other names: c.951A>C, p.Glu317Asp (NM_001256053.2); short protein forms E317D.
Identifiers: ClinVar variation 1308883 (VCV001308883.8), dbSNP rs1364898096, ClinGen allele CA376361817.

ClinVar aggregate classification (germline): Uncertain significance. Review status: criteria provided, multiple submitters, no conflicts (2 of 4 stars). 3 submissions from 3 submitters: Uncertain significance (3). Last evaluated 2026-01-17.

Conditions:
Inborn genetic diseases. Identifiers: MedGen C0950123, MeSH D030342.

Allele frequency attached by ClinVar (database versions not stated): gnomAD 0.00001; gnomAD exomes 0.00001.
gnomAD v4.1: 14 of 1,613,984 alleles (0.00087%); highest among the groups gnomAD compares: Non-Finnish European, 0.0012%; no homozygotes.

Submissions (3):

Labcorp Genetics (formerly Invitae), Labcorp
Classification: Uncertain significance. Last evaluated: 2026-01-17. Review status: criteria provided, single submitter. Criteria: Invitae Variant Classification Sherloc (09022015). Collection method: clinical testing. Allele origin: germline.
Comment: This sequence change replaces glutamic acid, which is acidic and polar, with aspartic acid, which is acidic and polar, at codon 317 of the ANKRD26 protein (p.Glu317Asp). The frequency data for this variant in the population databases is considered unreliable, as metrics indicate poor data quality at this position in the gnomAD database. This variant has not been reported in the literature in individuals affected with ANKRD26-related conditions. ClinVar contains an entry for this variant (Variation ID: 1308883). An algorithm developed to predict the effect of missense changes on protein structure and function (PolyPhen-2) suggests that this variant is likely to be disruptive. In summary, the available evidence is currently insufficient to determine the role of this variant in disease. Therefore, it has been classified as a Variant of Uncertain Significance.

Ambry Genetics
Classification: Uncertain significance for Inborn genetic diseases. Last evaluated: 2025-06-16. Review status: criteria provided, single submitter. Criteria: Ambry Variant Classification Scheme 2023. Collection method: clinical testing. Allele origin: germline.

GeneDx
Classification: Uncertain significance. Last evaluated: 2023-10-26. Review status: criteria provided, single submitter. Criteria: GeneDx Variant Classification Process June 2021. Collection method: clinical testing. Allele origin: germline. Affected: yes.
Comment: Not observed at significant frequency in large population cohorts (gnomAD); In silico analysis, which includes protein predictors and evolutionary conservation, supports that this variant does not alter protein structure/function; Has not been previously published as pathogenic or benign to our knowledge